The following is an entry in ClinVar:

NM_002439.5(MSH3):c.2543+1G>A

Gene: MSH3 (mutS homolog 3; plus strand). Cytogenetic location: 5q14.1.
Variant type: single nucleotide variant.
Coding change: c.2543+1G>A on transcript NM_002439.5 (MANE Select); the canonical splice donor site of the intron after coding-DNA position 2543, G replaced by A.
Molecular consequence: splice donor variant.
Genome position (GRCh38, 1-based): chr5:80,787,673, G>A. VCF-style: chr5-80787673-G-A. GRCh37 (hg19) VCF-style: chr5-80083492-G-A.
Other names: c.2543+1G>A (NM_002439.3).
Identifiers: ClinVar variation 1067676 (VCV001067676.12), dbSNP rs758437568, ClinGen allele CA3328275.
Genomic context (GRCh38, chr5:80,787,673, plus strand): 5'-AGCAACTGTTGACTGCATTTTCTCCCTGGCCAAGGTCGCTAAGCAAGGAGATTACTGCAG[G>A]TAAGATATTTTTCATTTTCCTCTTTATCAGTGCTTTAGATAAGATGACATTATTCAATTA-3'

ClinVar aggregate classification (germline): Conflicting classifications of pathogenicity. Review status: criteria provided, conflicting classifications (1 of 4 stars). 3 submissions from 3 submitters: Likely pathogenic (2); Uncertain significance (1). Last evaluated 2024-12-04.

Conditions:
Familial adenomatous polyposis 4 (FAP4). Also called: MSH3-related attenuated familial adenomatous polyposis. Identifiers: Orphanet 480536, MedGen C4310719, MONDO:0044300, OMIM 617100.
Hereditary cancer-predisposing syndrome. Also called: Tumor predisposition; Neoplastic Syndromes, Hereditary; Hereditary neoplastic syndrome; Hereditary Cancer Syndrome. Identifiers: Orphanet 140162, MedGen C0027672, MeSH D009386, MONDO:0015356.

Allele frequency attached by ClinVar (database versions not stated): ExAC 0.00001.

Submissions (4):

Ambry Genetics
Classification: Uncertain significance for Hereditary cancer-predisposing syndrome. Last evaluated: 2024-12-04. Review status: criteria provided, single submitter. Criteria: Ambry Variant Classification Scheme 2023. Collection method: clinical testing. Allele origin: germline.
Comment: The c.2543+1G>A intronic variant results from a G to A substitution one nucleotide after coding exon 18 of the MSH3 gene. Alterations that disrupt the canonical splice site are expected to cause aberrant splicing. In silico splice site analysis predicts that this alteration will weaken the native splice donor site; however, direct evidence is insufficient at this time (Ambry internal data). The resulting transcript is predicted to be in-frame and is not expected to trigger nonsense-mediated mRNA decay; however, direct evidence is unavailable. The exact functional effect of the altered amino acid sequence is unknown. This nucleotide position is highly conserved in available vertebrate species. Based on the available evidence, the clinical significance of this variant remains unclear.

Myriad Genetics, Inc.
Classification: Likely pathogenic for Familial adenomatous polyposis 4. Last evaluated: 2023-08-30. Review status: criteria provided, single submitter. Criteria: Myriad Autosomal Dominant, Autosomal Recessive and X-Linked Classification Criteria (2023). Collection method: clinical testing. Allele origin: unknown.
Comment: This variant is considered likely pathogenic. This variant occurs within a consensus splice junction and is predicted to result in abnormal mRNA splicing of either an out-of-frame exon or an in-frame exon necessary for protein stability and/or normal function.

Labcorp Genetics (formerly Invitae), Labcorp
Classification: Likely pathogenic. Last evaluated: 2020-07-30. Review status: criteria provided, single submitter. Criteria: Invitae Variant Classification Sherloc (09022015). Collection method: clinical testing. Allele origin: germline.
Comment: In summary, the currently available evidence indicates that the variant is pathogenic, but additional data are needed to prove that conclusively. Therefore, this variant has been classified as Likely Pathogenic. Donor and acceptor splice site variants typically lead to a loss of protein function (PMID: 16199547), and loss-of-function variants in MSH3 are known to be pathogenic (PMID: 27476653). Algorithms developed to predict the effect of sequence changes on RNA splicing suggest that this variant may disrupt the consensus splice site, but this prediction has not been confirmed by published transcriptional studies. This variant has not been reported in the literature in individuals with MSH3-related conditions. This variant is present in population databases (rs758437568, ExAC 0.01%). This sequence change affects a donor splice site in intron 18 of the MSH3 gene. It is expected to disrupt RNA splicing and likely results in an absent or disrupted protein product.

Dr. Peter K. Rogan Lab, Western University
No classification provided (evidence only). Condition: Cervical cancer. Review status: no classification provided. Collection method: in vitro. Allele origin: not applicable. Functional consequence: skipped exon, retained intron. Not counted in ClinVar's aggregate classification.

Literature cited by the submitters: PubMed 16199547 (cited by Labcorp Genetics (formerly Invitae), Labcorp); PubMed 27476653 (cited by Labcorp Genetics (formerly Invitae), Labcorp).